The following is an entry in ClinVar:

ClinVar aggregate classification (germline): Uncertain significance (1 of 4 stars; one submission).

Conditions:
Cataract 38. Also called: Cataract, autosomal recessive congenital 5; Cataract 38, autosomal recessive. Identifiers: Orphanet 91492, MedGen C3553494, MONDO:0013859, OMIM 614691.
Sengers syndrome. Also called: MITOCHONDRIAL DNA DEPLETION SYNDROME 10 (CARDIOMYOPATHIC TYPE); Cardiomyopathy and cataract. Identifiers: Orphanet 1369, MedGen C1859317, MONDO:0008922, OMIM 212350.

Allele frequency attached by ClinVar (database versions not stated): gnomAD 0.00003; ExAC 0.00005; TOPMed 0.00006; gnomAD exomes 0.00011.
gnomAD v4.1: 163 of 1,613,760 alleles (0.01%); highest among the groups gnomAD compares: Middle Eastern, 0.017%; 1 homozygote.

Submission:

Labcorp Genetics (formerly Invitae), Labcorp
Classification: Uncertain significance for Sengers syndrome; Cataract 38. Last evaluated: 2022-10-19. Review status: criteria provided, single submitter. Criteria: Invitae Variant Classification Sherloc (09022015). Collection method: clinical testing. Allele origin: germline.
Comment: This sequence change replaces alanine, which is neutral and non-polar, with valine, which is neutral and non-polar, at codon 392 of the AGK protein (p.Ala392Val). This variant is present in population databases (rs747624084, gnomAD 0.007%). This variant has not been reported in the literature in individuals affected with AGK-related conditions. Advanced modeling of protein sequence and biophysical properties (such as structural, functional, and spatial information, amino acid conservation, physicochemical variation, residue mobility, and thermodynamic stability) performed at Invitae indicates that this missense variant is not expected to disrupt AGK protein function. In summary, the available evidence is currently insufficient to determine the role of this variant in disease. Therefore, it has been classified as a Variant of Uncertain Significance.

NM_018238.4(AGK):c.1175C>T (p.Ala392Val)

Gene: AGK (acylglycerol kinase; plus strand). Cytogenetic location: 7q34.
Variant type: single nucleotide variant.
Coding change: c.1175C>T on transcript NM_018238.4 (MANE Select); coding-DNA position 1175, C replaced by T.
Protein change: p.Ala392Val; replaces alanine 392 with valine.
Molecular consequence: missense variant.
Genome position (GRCh38, 1-based): chr7:141,652,830, C>T. VCF-style: chr7-141652830-C-T. GRCh37 (hg19) VCF-style: chr7-141352630-C-T.
Other names: short protein forms A392V.
Identifiers: ClinVar variation 2062697 (VCV002062697.1), dbSNP rs747624084, ClinGen allele CA4517711.